The following is an entry in ClinVar:

NM_001079802.2(FKTN):c.*777C>A

Gene: FKTN (fukutin; plus strand). Cytogenetic location: 9q31.2.
Variant type: single nucleotide variant.
Coding change: c.*777C>A on transcript NM_001079802.2 (MANE Select); 777 bases downstream of the stop codon, C replaced by A.
Molecular consequence: 3 prime UTR variant. On other transcripts: non-coding transcript variant (2), intron variant (1).
Genome position (GRCh38, 1-based): chr9:105,636,041, C>A. VCF-style: chr9-105636041-C-A. GRCh37 (hg19) VCF-style: chr9-108398322-C-A.
Other names: c.*777C>A (NM_001351496.2, NM_001351497.2, NM_001351499.2 and 4 more transcripts); c.*955C>A (NM_001351498.2); c.1270+893C>A (NM_001198963.2).
Identifiers: ClinVar variation 912536 (VCV000912536.4), dbSNP rs369316426, ClinGen allele CA197462517.
Genomic context (GRCh38, chr9:105,636,041, plus strand): 5'-ATTGTGAGAATATTTTCACTGACCTCTGATGGCACTTGTTGACAAATCATTCAAGTGAGA[C>A]CATGTTACTAGACATGATCTTGAAAGAGGCCATGATTTCACAAAACTCATTTTTATTTTA-3'

ClinVar aggregate classification (germline): Conflicting classifications of pathogenicity. Review status: criteria provided, conflicting classifications (1 of 4 stars). 2 submissions from 1 submitter: Uncertain significance (1); Likely benign (1). Last evaluated 2018-01-13.

Conditions:
Muscular dystrophy-dystroglycanopathy (congenital with brain and eye anomalies), type A, 4 (MDDGA4). Also called: Walker-Warburg Syndrome, Fktn-Related; Congenital muscular dystrophy-dystroglycanopathy with brain and eye anomalies, type A4; WALKER-WARBURG SYNDROME OR MUSCLE-EYE-BRAIN DISEASE, FKTN-RELATED; Muscular dystrophy, congenital progressive, with mental retardation; Muscular dystrophy, congenital, with central nervous system involvement; Cerebromuscular dystrophy, Fukuyama type. Identifiers: Orphanet 272, Orphanet 588, Orphanet 899, MedGen C0410174, MONDO:0009678, OMIM 253800.
Dilated cardiomyopathy 1X (CMD1X). Also called: CARDIOMYOPATHY, DILATED, WITH MILD OR NO PROXIMAL MUSCLE WEAKNESS; FKTN-Related Dilated Cardiomyopathy. Identifiers: Orphanet 154, MedGen C1969024, MONDO:0012704, OMIM 611615.

Allele frequency attached by ClinVar (database versions not stated): gnomAD 0.00001 and 0.00045; TOPMed 0.00006; gnomAD exomes 0.00026; 1000 Genomes Project 30x 0.00344; 1000 Genomes Project 0.00359.

Submissions (2):

Illumina Laboratory Services, Illumina
Classification: Likely benign for Muscular dystrophy-dystroglycanopathy (congenital with brain and eye anomalies), type A, 4. Last evaluated: 2018-01-13. Review status: criteria provided, single submitter. Criteria: ICSL Variant Classification Criteria 13 December 2019. Collection method: clinical testing. Allele origin: germline.
Comment: This variant was observed in the ICSL laboratory as part of a predisposition screen in an ostensibly healthy population. It had not been previously curated by ICSL or reported in the Human Gene Mutation Database (HGMD: prior to June 1st, 2018), and was therefore a candidate for classification through an automated scoring system. Utilizing variant allele frequency, disease prevalence and penetrance estimates, and inheritance mode, an automated score was calculated to assess if this variant is too frequent to cause the disease. Based on the score and internal cut-off values, a variant classified as likely benign is not then subjected to further curation. The score for this variant resulted in a classification of likely benign for this disease.

Illumina Laboratory Services, Illumina
Classification: Uncertain significance for Dilated cardiomyopathy 1X. Last evaluated: 2018-01-13. Review status: criteria provided, single submitter. Criteria: ICSL Variant Classification Criteria 13 December 2019. Collection method: clinical testing. Allele origin: germline.